The following is an entry in ClinVar:

NM_001329943.3(KIAA0586):c.4133_4138delinsAA (p.Pro1378fs)

Gene: KIAA0586 (KIAA0586; plus strand). Cytogenetic location: 14q23.1.
Variant type: Indel.
Coding change: c.4133_4138delinsAA on transcript NM_001329943.3 (MANE Select); coding-DNA positions 4133 to 4138, CTAAAC replaced by AA.
Protein change: p.Pro1378fs; shifts the reading frame from proline 1378.
Molecular consequence: frameshift variant.
Genome position (GRCh38, 1-based): chr14:58,498,925-58,498,930, CTAAAC replaced by AA. VCF-style: chr14-58498925-CTAAAC-AA. GRCh37 (hg19) VCF-style: chr14-58965643-CTAAAC-AA.
Other names: c.4292_4297delinsAA, p.Pro1431fs (NM_001244189.2); c.4088_4093delinsAA, p.Pro1363fs (NM_001244190.2); c.3878_3883delinsAA, p.Pro1293fs (NM_001244191.2, NM_001329945.2, NM_001364700.1 and 1 more transcripts); c.4001_4006delinsAA, p.Pro1334fs (NM_001244192.2, NM_001329947.2); c.3713_3718delinsAA, p.Pro1238fs (NM_001244193.2); c.4133_4138delinsAA, p.Pro1378fs (NM_001329944.2, NM_001329946.2); c.3905_3910delinsAA, p.Pro1302fs (NM_014749.5); short protein forms P1334fs, P1293fs, P1302fs, P1378fs, P1431fs, P1238fs, P1363fs.
Identifiers: ClinVar variation 2274174 (VCV002274174.2), dbSNP rs2543907543, ClinGen allele CA2580088293.

ClinVar aggregate classification (germline): Pathogenic (1 of 4 stars; one submission).

Conditions:
Inborn genetic diseases. Identifiers: MedGen C0950123, MeSH D030342.

Submission:

Ambry Genetics
Classification: Pathogenic for Inborn genetic diseases. Last evaluated: 2022-01-25. Review status: criteria provided, single submitter. Criteria: Ambry Variant Classification Scheme 2023. Collection method: clinical testing. Allele origin: germline.
Comment: The c.3905_3910delCTAAACinsAA (p.P1302Qfs*25) alteration, located in exon 26 (coding exon 26) of the KIAA0586 gene, consists of a deletion of 6 and insertion of 2 nucleotides causing a translational frameshift at position 3905 with a predicted alternate stop codon after 25 amino acids. This alteration is expected to result in loss of function by premature protein truncation or nonsense-mediated mRNA decay. This variant was not reported in population-based cohorts in the Genome Aggregation Database (gnomAD). Based on the available evidence, this alteration is classified as pathogenic.